The following is an entry in ClinVar:

NM_001364905.1(LRBA):c.6322G>A (p.Asp2108Asn)

Gene: LRBA (LPS responsive beige-like anchor protein; minus strand). Cytogenetic location: 4q31.3.
Variant type: single nucleotide variant.
Coding change: c.6322G>A on transcript NM_001364905.1 (MANE Select); coding-DNA position 6322, G replaced by A.
Protein change: p.Asp2108Asn; replaces aspartic acid 2108 with asparagine.
Molecular consequence: missense variant.
Genome position (GRCh38, 1-based): chr4:150,588,056, C>T on the plus strand (G>A on the coding strand, the complement: LRBA is on the minus strand). VCF-style: chr4-150588056-C-T. GRCh37 (hg19) VCF-style: chr4-151509208-C-T.
Other names: p.Asp2119Asn; c.6322G>A, p.Asp2108Asn (NM_001199282.3, NM_001367550.1); c.6355G>A, p.Asp2119Asn (NM_006726.5); short protein forms D2119N, D2108N.
Identifiers: ClinVar variation 197442 (VCV000197442.20), dbSNP rs142598024, ClinGen allele CA245583.

ClinVar aggregate classification (germline): Conflicting classifications of pathogenicity. Review status: criteria provided, conflicting classifications (1 of 4 stars). 7 submissions from 7 submitters: Uncertain significance (5); Likely benign (2). Last evaluated 2026-01-26.

Conditions:
LRBA-related disorder. Also called: LRBA-related condition.
Inborn genetic diseases. Identifiers: MedGen C0950123, MeSH D030342.
Combined immunodeficiency due to LRBA deficiency. Also called: Common variable immunodeficiency 8, with autoimmunity. Identifiers: Orphanet 445018, MedGen C3553512, MONDO:0013863, OMIM 614700.

Allele frequency attached by ClinVar (database versions not stated): 1000 Genomes Project 30x 0.00016; 1000 Genomes Project 0.00020; TOPMed 0.00030; ESP Exome Variant Server 0.00038.
gnomAD v4.1: 444 of 1,611,658 alleles (0.028%); highest among the groups gnomAD compares: Admixed American, 0.2%; no homozygotes.

Submissions (7):

Labcorp Genetics (formerly Invitae), Labcorp
Classification: Likely benign for Combined immunodeficiency due to LRBA deficiency. Last evaluated: 2026-01-26. Review status: criteria provided, single submitter. Criteria: Invitae Variant Classification Sherloc (09022015). Collection method: clinical testing. Allele origin: germline.

Mayo Clinic Laboratories, Mayo Clinic
Classification: Likely benign. Last evaluated: 2025-11-06. Review status: criteria provided, single submitter. Criteria: ACMG Guidelines, 2015. Collection method: clinical testing. Allele origin: germline. Observed: 1 variant allele.
Comment: BS1, BP4

PreventionGenetics, part of Exact Sciences
Classification: Uncertain significance for LRBA-related condition. Last evaluated: 2025-01-23. Review status: criteria provided, single submitter. Criteria: ACMG Guidelines, 2015. Collection method: clinical testing. Allele origin: germline.
Comment: The LRBA c.6355G>A variant is predicted to result in the amino acid substitution p.Asp2119Asn. To our knowledge, this variant has not been reported in the literature. This variant is reported in 0.23% of alleles in individuals of Latino descent in gnomAD. At this time, the clinical significance of this variant is uncertain due to the absence of conclusive functional and genetic evidence.

Blueprint Genetics
Classification: Uncertain significance. Last evaluated: 2024-09-04. Review status: criteria provided, single submitter. Criteria: ACMG Guidelines, 2015. Collection method: clinical testing. Allele origin: germline.

Ambry Genetics
Classification: Uncertain significance for Inborn genetic diseases. Last evaluated: 2021-09-14. Review status: criteria provided, single submitter. Criteria: Ambry Variant Classification Scheme 2023. Collection method: clinical testing. Allele origin: germline.

GeneDx
Classification: Uncertain significance. Last evaluated: 2016-09-15. Review status: criteria provided, single submitter. Criteria: GeneDx Variant Classification (06012015). Collection method: clinical testing. Allele origin: germline. Affected: yes.
Comment: The D2119N variant in the LRBA gene has not been reported previously as a pathogenic variant, nor as a benign variant, to our knowledge. Although not present in the homozygous state, the D2119N variant was observed with a frequency of 0.06% (5/8598 alleles) in individuals of European American ancestry in the NHLBI Exome Sequencing Project and with a frequency of 0.23% (27/11576 alleles) in individuals of Latino ancestry in the Exome Aggregation Consortium. The D2119N variant is a semi-conservative amino acid substitution, which may impact secondary protein structure as these residues differ in some properties. This substitution occurs at a position that is conserved in mammals; however, Asparagine is observed at this position in two distantly related species. In silico analysis predicts this variant is probably damaging to the protein structure/function. Therefore, we interpret D2119N as a variant of uncertain significance.

Eurofins Ntd Llc (ga)
Classification: Uncertain significance. Last evaluated: 2015-04-24. Review status: criteria provided, single submitter. Criteria: EGL Classification Definitions 2015. Collection method: clinical testing. Allele origin: germline. Observed: 1 variant allele, 1 heterozygote.